The following is an entry in ClinVar:

NM_006230.4(POLD2):c.335G>T (p.Ser112Ile)

Gene: POLD2 (DNA polymerase delta 2, accessory subunit; minus strand). Cytogenetic location: 7p13.
Variant type: single nucleotide variant.
Coding change: c.335G>T on transcript NM_006230.4 (MANE Select); coding-DNA position 335, G replaced by T.
Protein change: p.Ser112Ile; replaces serine 112 with isoleucine.
Molecular consequence: missense variant.
Genome position (GRCh38, 1-based): chr7:44,117,950, C>A on the plus strand (G>T on the coding strand, the complement: POLD2 is on the minus strand). VCF-style: chr7-44117950-C-A. GRCh37 (hg19) VCF-style: chr7-44157549-C-A.
Other names: c.335G>T, p.Ser112Ile (NM_001127218.3, NM_001256879.2); short protein forms S112I.
Identifiers: ClinVar variation 3679630 (VCV003679630.2).
Genomic context (GRCh38, chr7:44,117,950, plus strand): 5'-TAGTGGGAGGCCAGGTCTGCCTGGCGGCCCCACTGTGTAGCACCCTGCCTCACCTCCTCG[C>A]TGACCTCCCGCAGGATGGAGGGCTGCAGCGGCATGGCCTTGAACAGAGTGCCCACCACAC-3'
Protein context (NP_006221.3, residues 102-122): PLQPSILREV[Ser112Ile]EEHNLLPQPP

ClinVar aggregate classification (germline): Uncertain significance (1 of 4 stars; one submission).

gnomAD v4.1: 3 of 1,614,018 alleles (0.00019%); highest among the groups gnomAD compares: Non-Finnish European, 0.00025%; no homozygotes.

Submission:

Labcorp Genetics (formerly Invitae), Labcorp
Classification: Uncertain significance. Last evaluated: 2024-10-21. Review status: criteria provided, single submitter. Criteria: Invitae Variant Classification Sherloc (09022015). Collection method: clinical testing. Allele origin: germline.
Comment: This sequence change replaces serine, which is neutral and polar, with isoleucine, which is neutral and non-polar, at codon 147 of the POLD2 protein (p.Ser147Ile). The frequency data for this variant in the population databases is considered unreliable, as metrics indicate poor data quality at this position in the gnomAD database. This variant has not been reported in the literature in individuals affected with POLD2-related conditions. Experimental studies and prediction algorithms are not available or were not evaluated, and the functional significance of this variant is currently unknown. In summary, the available evidence is currently insufficient to determine the role of this variant in disease. Therefore, it has been classified as a Variant of Uncertain Significance.